The following is an entry in ClinVar:

ClinVar aggregate classification (germline): Pathogenic (1 of 4 stars; one submission).

Conditions:
Bloom syndrome (BLM). Also called: Bloom-Torre-Machacek syndrome. Identifiers: Orphanet 125, MedGen C0005859, MONDO:0008876, OMIM 210900.

Submission:

Labcorp Genetics (formerly Invitae), Labcorp
Classification: Pathogenic for Bloom syndrome. Last evaluated: 2021-03-22. Review status: criteria provided, single submitter. Criteria: Invitae Variant Classification Sherloc (09022015). Collection method: clinical testing. Allele origin: germline.
Comment: For these reasons, this variant has been classified as Pathogenic. This variant has not been reported in the literature in individuals with BLM-related conditions. This variant is not present in population databases (ExAC no frequency). This sequence change creates a premature translational stop signal (p.Pro967Leufs*32) in the BLM gene. It is expected to result in an absent or disrupted protein product. Loss-of-function variants in BLM are known to be pathogenic (PMID: 17407155).

Literature cited by the submitters: PubMed 17407155.

NM_000057.4(BLM):c.2900del (p.Pro967fs)

Gene: BLM (BLM RecQ like helicase; plus strand). Cytogenetic location: 15q26.1.
Variant type: Deletion.
Coding change: c.2900del on transcript NM_000057.4 (MANE Select); coding-DNA position 2900, one base deleted (C; older notation c.2900delC).
Protein change: p.Pro967fs; shifts the reading frame from proline 967.
Molecular consequence: frameshift variant.
Genome position (GRCh38, 1-based): chr15:90,790,725, C deleted; the last of 3 consecutive C bases (chr15:90,790,723-90,790,725); deleting any one gives the same sequence. VCF-style (leftmost placement, unchanged base first): chr15-90790722-TC-T. GRCh37 (hg19) VCF-style: chr15-91333952-TC-T.
Other names: c.2900del, p.Pro967fs (NM_001287246.2, NM_001287247.2); c.1775del, p.Pro592fs (NM_001287248.2); short protein forms P967fs, P592fs.
Identifiers: ClinVar variation 1452418 (VCV001452418.6), dbSNP rs2151184555, ClinGen allele CA2573151443.